The following is an entry in ClinVar:

NM_006509.4(RELB):c.557G>C (p.Trp186Ser)

Gene: RELB (RELB proto-oncogene, NF-kB subunit; plus strand). Cytogenetic location: 19q13.32.
Variant type: single nucleotide variant.
Coding change: c.557G>C on transcript NM_006509.4 (MANE Select); coding-DNA position 557, G replaced by C.
Protein change: p.Trp186Ser; replaces tryptophan 186 with serine.
Molecular consequence: missense variant.
Genome position (GRCh38, 1-based): chr19:45,022,105, G>C. VCF-style: chr19-45022105-G-C. GRCh37 (hg19) VCF-style: chr19-45525363-G-C.
Other names: c.548G>C, p.Trp183Ser (NM_001411087.1); short protein forms W183S, W186S.
Identifiers: ClinVar variation 1920622 (VCV001920622.5), dbSNP rs920424289, ClinGen allele CA308893434.
Genomic context (GRCh38, chr19:45,022,105, plus strand): 5'-TCCTGCAGCTCCGGGATTGTGGAGGGCTGCGGGAGGTGGAGGTGACTGCCTGCCTGGTGT[G>C]GAAGGACTGGCCTCACCGAGTCCACCCCCACAGCCTCGTGGGGAAAGACTGCACCGACGG-3'
Protein context (NP_006500.2, residues 176-196): REVEVTACLV[Trp186Ser]KDWPHRVHPH

ClinVar aggregate classification (germline): Uncertain significance (1 of 4 stars; one submission).

Submission:

Labcorp Genetics (formerly Invitae), Labcorp
Classification: Uncertain significance. Last evaluated: 2022-03-06. Review status: criteria provided, single submitter. Criteria: Invitae Variant Classification Sherloc (09022015). Collection method: clinical testing. Allele origin: germline.
Comment: This sequence change replaces tryptophan, which is neutral and slightly polar, with serine, which is neutral and polar, at codon 186 of the RELB protein (p.Trp186Ser). This variant is not present in population databases (gnomAD no frequency). This variant has not been reported in the literature in individuals affected with RELB-related conditions. Algorithms developed to predict the effect of missense changes on protein structure and function are either unavailable or do not agree on the potential impact of this missense change (SIFT: "Tolerated"; PolyPhen-2: "Probably Damaging"; Align-GVGD: "Class C0"). In summary, the available evidence is currently insufficient to determine the role of this variant in disease. Therefore, it has been classified as a Variant of Uncertain Significance.